The following is an entry in ClinVar:

ClinVar aggregate classification (germline): Uncertain significance (1 of 4 stars; one submission).

Submission:

GeneDx
Classification: Uncertain significance. Last evaluated: 2013-07-12. Review status: criteria provided, single submitter. Criteria: GeneDx Variant Classification (06012015). Collection method: clinical testing. Allele origin: germline. Affected: yes.
Comment: To our knowledge, the C990S missense substitution in the NLRP3 gene has neither been published as a mutation, nor reported as a benign polymorphism. Although Cysteine and Serine are both neutral amino acids, C990S represents a non-conservative amino acid substitution as the loss of a Cysteine residue could affect disulfide bond formation. The position in the NLRP3 protein where this substitution occurs is conserved among species; although very few mutations have been reported outside of exon 3 of the NLRP3 gene. However, in silico models predict this change is possibly damaging. Therefore, based on the currently available information, it is unclear whether C990S is a disease-causing mutation or a rare benign variant.

NM_001243133.2(NLRP3):c.2963G>C (p.Cys988Ser)

Gene: NLRP3 (NLR family pyrin domain containing 3; plus strand). Cytogenetic location: 1q44.
Variant type: single nucleotide variant.
Coding change: c.2963G>C on transcript NM_001243133.2 (MANE Select); coding-DNA position 2963, G replaced by C.
Protein change: p.Cys988Ser; replaces cysteine 988 with serine.
Molecular consequence: missense variant.
Genome position (GRCh38, 1-based): chr1:247,444,779, G>C. VCF-style: chr1-247444779-G-C. GRCh37 (hg19) VCF-style: chr1-247608081-G-C.
Other names: c.2963G>C, p.Cys988Ser (NM_001079821.3); c.2792G>C, p.Cys931Ser (NM_001127461.3, NM_001127462.3); c.2969G>C, p.Cys990Ser (NM_004895.5); c.2621G>C, p.Cys874Ser (NM_183395.3); short protein forms C990S, C988S, C874S, C931S.
Identifiers: ClinVar variation 234306 (VCV000234306.2), dbSNP rs876660974, ClinGen allele CA10577237.